The following is an entry in ClinVar:

NM_001004334.4(GPR179):c.4832C>A (p.Pro1611Gln)

Gene: GPR179 (G protein-coupled receptor 179; minus strand). Cytogenetic location: 17q12.
Variant type: single nucleotide variant.
Coding change: c.4832C>A on transcript NM_001004334.4 (MANE Select); coding-DNA position 4832, C replaced by A.
Protein change: p.Pro1611Gln; replaces proline 1611 with glutamine.
Molecular consequence: missense variant.
Genome position (GRCh38, 1-based): chr17:38,328,737, G>T on the plus strand (C>A on the coding strand, the complement: GPR179 is on the minus strand). VCF-style: chr17-38328737-G-T. GRCh37 (hg19) VCF-style: chr17-36484620-G-T.
Other names: short protein forms P1611Q.
Identifiers: ClinVar variation 1902290 (VCV001902290.2), dbSNP rs747206692, ClinGen allele CA290103899.

ClinVar aggregate classification (germline): Uncertain significance (1 of 4 stars; one submission).

Allele frequency attached by ClinVar (database versions not stated): gnomAD 0.00001; TOPMed 0.00001; ExAC 0.00002.
gnomAD v4.1: 19 of 1,613,666 alleles (0.0012%); highest among the groups gnomAD compares: Non-Finnish European, 0.0016%; no homozygotes.

Submission:

Labcorp Genetics (formerly Invitae), Labcorp
Classification: Uncertain significance. Last evaluated: 2022-02-23. Review status: criteria provided, single submitter. Criteria: Invitae Variant Classification Sherloc (09022015). Collection method: clinical testing. Allele origin: germline.
Comment: This sequence change replaces proline, which is neutral and non-polar, with glutamine, which is neutral and polar, at codon 1611 of the GPR179 protein (p.Pro1611Gln). This variant is present in population databases (rs747206692, gnomAD 0.002%). This variant has not been reported in the literature in individuals affected with GPR179-related conditions. Algorithms developed to predict the effect of missense changes on protein structure and function (SIFT, PolyPhen-2, Align-GVGD) all suggest that this variant is likely to be tolerated. In summary, the available evidence is currently insufficient to determine the role of this variant in disease. Therefore, it has been classified as a Variant of Uncertain Significance.